The following is an entry in ClinVar:

NM_133642.5(LARGE1):c.1792G>A (p.Glu598Lys)

Gene: LARGE1 (LARGE xylosyl- and glucuronyltransferase 1; minus strand). Cytogenetic location: 22q12.3.
Variant type: single nucleotide variant.
Coding change: c.1792G>A on transcript NM_133642.5 (MANE Select); coding-DNA position 1792, G replaced by A.
Protein change: p.Glu598Lys; replaces glutamic acid 598 with lysine.
Molecular consequence: missense variant. On other transcripts: intron variant (3).
Genome position (GRCh38, 1-based): chr22:33,283,287, C>T on the plus strand (G>A on the coding strand, the complement: LARGE1 is on the minus strand). VCF-style: chr22-33283287-C-T. GRCh37 (hg19) VCF-style: chr22-33679273-C-T.
Other names: c.1792G>A, p.Glu598Lys (NM_001362949.2, NM_001362951.2, NM_001362953.2 and 4 more transcripts); c.1636G>A, p.Glu546Lys (NM_001378629.1); c.1189G>A, p.Glu397Lys (NM_001378630.1); c.1731-6032G>A (NM_001378627.1, NM_001378628.1); c.972-6032G>A (NM_001378631.1); short protein forms E598K, E397K, E546K.
Identifiers: ClinVar variation 72928 (VCV000072928.10), dbSNP rs144045461, ClinGen allele CA236173.

ClinVar aggregate classification (germline): Conflicting classifications of pathogenicity. Review status: criteria provided, conflicting classifications (1 of 4 stars). 4 submissions from 4 submitters: Likely pathogenic (1); Uncertain significance (3). Last evaluated 2025-03-21.

Conditions:
Muscular dystrophy-dystroglycanopathy type B6 (MDDGB6). Also called: MUSCULAR DYSTROPHY, CONGENITAL, LARGE-RELATED; MUSCULAR DYSTROPHY, CONGENITAL, TYPE 1D; MUSCULAR DYSTROPHY-DYSTROGLYCANOPATHY (CONGENITAL WITH IMPAIRED INTELLECTUAL DEVELOPMENT), TYPE B, 6. Identifiers: MedGen C1837229, MONDO:0012138, OMIM 608840.

Allele frequency attached by ClinVar (database versions not stated): ExAC 0.00001; gnomAD exomes 0.00001 and 0.00002.
gnomAD v4.1: 19 of 1,614,102 alleles (0.0012%); highest among the groups gnomAD compares: East Asian, 0.0045%; no homozygotes.

Submissions (4):

Women's Health and Genetics/Laboratory Corporation of America, LabCorp
Classification: Uncertain significance. Last evaluated: 2025-03-21. Review status: criteria provided, single submitter. Criteria: LabCorp Variant Classification Summary - May 2015. Collection method: clinical testing. Allele origin: germline.
Comment: Variant summary: LARGE1 c.1792G>A (p.Glu598Lys) results in a conservative amino acid change in the encoded protein sequence. Three of five in-silico tools predict a damaging effect of the variant on protein function. The variant allele was found at a frequency of 1.6e-05 in 251398 control chromosomes. c.1792G>A has been reported in the homozygous state in the literature in at least 1 individual affected with Walker-Warburg syndrome (example, Shaheen_2017). These data indicate that the variant may be associated with disease. To our knowledge, no experimental evidence demonstrating an impact on protein function has been reported. The following publication has been ascertained in the context of this evaluation (PMID: 28556411). ClinVar contains an entry for this variant (Variation ID: 72928). Based on the evidence outlined above, the variant was classified as VUS-possibly pathogenic.

Labcorp Genetics (formerly Invitae), Labcorp
Classification: Uncertain significance for Muscular dystrophy-dystroglycanopathy type B6. Last evaluated: 2024-11-11. Review status: criteria provided, single submitter. Criteria: Invitae Variant Classification Sherloc (09022015). Collection method: clinical testing. Allele origin: germline.
Comment: This sequence change replaces glutamic acid, which is acidic and polar, with lysine, which is basic and polar, at codon 598 of the LARGE1 protein (p.Glu598Lys). This variant is present in population databases (rs144045461, gnomAD 0.006%). This missense change has been observed in individual(s) with LARGE1-related conditions (PMID: 28556411). ClinVar contains an entry for this variant (Variation ID: 72928). Invitae Evidence Modeling of protein sequence and biophysical properties (such as structural, functional, and spatial information, amino acid conservation, physicochemical variation, residue mobility, and thermodynamic stability) indicates that this missense variant is expected to disrupt LARGE1 protein function with a positive predictive value of 80%. In summary, the available evidence is currently insufficient to determine the role of this variant in disease. Therefore, it has been classified as a Variant of Uncertain Significance.

Genetic Services Laboratory, University of Chicago
Classification: Uncertain significance. Last evaluated: 2016-07-01. Review status: criteria provided, single submitter. Criteria: ACMG Guidelines, 2015. Collection method: clinical testing. Allele origin: germline. Affected: no.

Genomic Medicine Center of Excellence, King Faisal Specialist Hospital and Research Centre
Classification: Likely pathogenic. Review status: criteria provided, single submitter. Criteria: ACMG Guidelines, 2015. Collection method: research. Allele origin: germline. Affected: yes.

Literature cited by the submitters: PubMed 28556411 (cited by Women's Health and Genetics/Laboratory Corporation of America, LabCorp and Labcorp Genetics (formerly Invitae), Labcorp).